The following is an entry in ClinVar:

NM_018699.4(PRDM5):c.1262G>A (p.Arg421Lys)

Gene: PRDM5 (PR/SET domain 5; minus strand). Cytogenetic location: 4q27.
Variant type: single nucleotide variant.
Coding change: c.1262G>A on transcript NM_018699.4 (MANE Select); coding-DNA position 1262, G replaced by A.
Protein change: p.Arg421Lys; replaces arginine 421 with lysine.
Molecular consequence: missense variant.
Genome position (GRCh38, 1-based): chr4:120,785,018, C>T on the plus strand (G>A on the coding strand, the complement: PRDM5 is on the minus strand). VCF-style: chr4-120785018-C-T. GRCh37 (hg19) VCF-style: chr4-121706173-C-T.
Other names: c.1169G>A, p.Arg390Lys (NM_001300823.2, NM_001300824.2, NM_001379106.1); c.1295G>A, p.Arg432Lys (NM_001379104.1); short protein forms R421K, R390K, R432K.
Identifiers: ClinVar variation 2450365 (VCV002450365.2), dbSNP rs2477237174, ClinGen allele CA358209340.
Genomic context (GRCh38, chr4:120,785,018, plus strand): 5'-ATAATTCCTTATATTCTCAACTGCCTGAATCGTGACTTACTGTTATGTATTAGCAGGTGT[C>T]TCTGTAAAGAAAATGGGGTCCGGAACAAAGCTTTACATTCTTCACATTGGAACGGTCTCT-3'
Protein context (NP_061169.2, residues 411-431): ALFRTPFSLQ[Arg421Lys]HLLIHNSERT

ClinVar aggregate classification (germline): Uncertain significance (1 of 4 stars; one submission).

Conditions:
Cardiovascular phenotype. Identifiers: MedGen CN230736.

Allele frequency attached by ClinVar (database versions not stated): gnomAD exomes below 0.00001.
gnomAD v4.1: 2 of 1,605,170 alleles (0.00012%); highest among the groups gnomAD compares: Non-Finnish European, 0.00017%; no homozygotes.

Submission:

Ambry Genetics
Classification: Uncertain significance for Cardiovascular phenotype. Last evaluated: 2023-02-28. Review status: criteria provided, single submitter. Criteria: Ambry Variant Classification Scheme 2023. Collection method: clinical testing. Allele origin: germline.
Comment: The p.R421K variant (also known as c.1262G>A), located in coding exon 11 of the PRDM5 gene, results from a G to A substitution at nucleotide position 1262. The arginine at codon 421 is replaced by lysine, an amino acid with highly similar properties. This amino acid position is conserved. In addition, this alteration is predicted to be tolerated by in silico analysis. Since supporting evidence is limited at this time, the clinical significance of this alteration remains unclear.